The following is an entry in ClinVar:

ClinVar aggregate classification (germline): Uncertain significance (1 of 4 stars; one submission).

Conditions:
Hereditary cancer-predisposing syndrome. Also called: Hereditary Cancer Syndrome; Hereditary neoplastic syndrome; Neoplastic Syndromes, Hereditary; Tumor predisposition. Identifiers: Orphanet 140162, MedGen C0027672, MeSH D009386, MONDO:0015356.

Submission:

Ambry Genetics
Classification: Uncertain significance for Hereditary cancer-predisposing syndrome. Last evaluated: 2021-12-20. Review status: criteria provided, single submitter. Criteria: Ambry Variant Classification Scheme 2023. Collection method: clinical testing. Allele origin: germline.
Comment: The p.Y401H variant (also known as c.1201T>C), located in coding exon 7 of the DICER1 gene, results from a T to C substitution at nucleotide position 1201. The tyrosine at codon 401 is replaced by histidine, an amino acid with similar properties. This amino acid position is highly conserved in available vertebrate species. In addition, the in silico prediction for this alteration is inconclusive. Since supporting evidence is limited at this time, the clinical significance of this alteration remains unclear.

NM_177438.3(DICER1):c.1201T>C (p.Tyr401His)

Gene: DICER1 (dicer 1, ribonuclease III; minus strand). Cytogenetic location: 14q32.13.
Variant type: single nucleotide variant.
Coding change: c.1201T>C on transcript NM_177438.3 (MANE Select); coding-DNA position 1201, T replaced by C.
Protein change: p.Tyr401His; replaces tyrosine 401 with histidine.
Molecular consequence: missense variant. On other transcripts: 5 prime UTR variant (1), non-coding transcript variant (6).
Genome position (GRCh38, 1-based): chr14:95,124,371, A>G on the plus strand (T>C on the coding strand, the complement: DICER1 is on the minus strand). VCF-style: chr14-95124371-A-G. GRCh37 (hg19) VCF-style: chr14-95590708-A-G.
Other names: c.1201T>C, p.Tyr401His (NM_001195573.1, NM_001271282.3, NM_001291628.2 and 15 more transcripts); c.919T>C, p.Tyr307His (NM_001395686.1); c.796T>C, p.Tyr266His (NM_001395687.1, NM_001395688.1, NM_001395689.1 and 3 more transcripts); c.634T>C, p.Tyr212His (NM_001395691.1); c.-368T>C (NM_001395697.1); short protein forms Y401H, Y307H, Y212H, Y266H.
Identifiers: ClinVar variation 1747744 (VCV001747744.2), dbSNP rs2543176592, ClinGen allele CA390886723.